The following is an entry in ClinVar:

ClinVar aggregate classification (germline): Uncertain significance (1 of 4 stars; one submission).

gnomAD v4.1: 1 of 1,570,312 alleles (0.000064%); no homozygotes.

Submission:

Dasa
Classification: Uncertain significance. Last evaluated: 2024-10-11. Review status: criteria provided, single submitter. Criteria: DASA Assertion Criteria. Collection method: clinical testing. Allele origin: germline.
Comment: NM_007118.4(TRIO):c.5394C>G (p.His1798Gln) is a missense variant that results in the substitution of histidine with glutamine. This variant is rare in population databases. Computational prediction algorithms are consistent with a benign effect. The currently available literature and clinical evidence are not sufficient to establish a definitive association between this variant and the reported condition. Therefore, this variant is classified as a variant of uncertain significance.

NM_007118.4(TRIO):c.5394C>G (p.His1798Gln)

Gene: TRIO (trio Rho guanine nucleotide exchange factor; plus strand). Cytogenetic location: 5p15.2.
Variant type: single nucleotide variant.
Coding change: c.5394C>G on transcript NM_007118.4 (MANE Select); coding-DNA position 5394, C replaced by G.
Protein change: p.His1798Gln; replaces histidine 1798 with glutamine.
Molecular consequence: missense variant. On other transcripts: non-coding transcript variant (1).
Genome position (GRCh38, 1-based): chr5:14,461,209, C>G. VCF-style: chr5-14461209-C-G. GRCh37 (hg19) VCF-style: chr5-14461318-C-G.
Other names: short protein forms H1798Q.
Identifiers: ClinVar variation 5021069 (VCV005021069.1).